The following is an entry in ClinVar:

ClinVar aggregate classification (germline): Uncertain significance (1 of 4 stars; one submission).

gnomAD v4.1: 1 of 1,609,958 alleles (0.000062%); highest among the groups gnomAD compares: Non-Finnish European, 0.000085%; no homozygotes.

Submission:

GeneDx
Classification: Uncertain significance. Last evaluated: 2025-04-05. Review status: criteria provided, single submitter. Criteria: GeneDx Variant Classification Process June 2021. Collection method: clinical testing. Allele origin: germline. Affected: yes.
Comment: Not observed at significant frequency in large population cohorts (gnomAD); In silico analysis indicates that this missense variant does not alter protein structure/function; Has not been previously published as pathogenic or benign to our knowledge

NM_001009944.3(PKD1):c.1211C>A (p.Pro404Gln)

Gene: PKD1 (polycystin 1, transient receptor potential channel interacting; minus strand). Cytogenetic location: 16p13.3.
Variant type: single nucleotide variant.
Coding change: c.1211C>A on transcript NM_001009944.3 (MANE Select); coding-DNA position 1211, C replaced by A.
Protein change: p.Pro404Gln; replaces proline 404 with glutamine.
Molecular consequence: missense variant.
Genome position (GRCh38, 1-based): chr16:2,117,663, G>T on the plus strand (C>A on the coding strand, the complement: PKD1 is on the minus strand). VCF-style: chr16-2117663-G-T. GRCh37 (hg19) VCF-style: chr16-2167664-G-T.
Other names: c.1211C>A, p.Pro404Gln (NM_000296.4); short protein forms P404Q.
Identifiers: ClinVar variation 4281699 (VCV004281699.1).